The following is an entry in ClinVar:

ClinVar aggregate classification (germline): Uncertain significance (1 of 4 stars; one submission).

Conditions:
Inborn genetic diseases. Identifiers: MedGen C0950123, MeSH D030342.

Submission:

Ambry Genetics
Classification: Uncertain significance for Inborn genetic diseases. Last evaluated: 2022-08-16. Review status: criteria provided, single submitter. Criteria: Ambry Variant Classification Scheme 2023. Collection method: clinical testing. Allele origin: germline.
Comment: The p.E401G variant (also known as c.1202A>G), located in coding exon 9 of the BUB1B gene, results from an A to G substitution at nucleotide position 1202. The glutamic acid at codon 401 is replaced by glycine, an amino acid with similar properties. This amino acid position is conserved. In addition, this alteration is predicted to be tolerated by in silico analysis. Since supporting evidence is limited at this time, the clinical significance of this alteration remains unclear.

NM_001211.6(BUB1B):c.1202A>G (p.Glu401Gly)

Gene: BUB1B (BUB1 mitotic checkpoint serine/threonine kinase B; plus strand). Cytogenetic location: 15q15.1.
Variant type: single nucleotide variant.
Coding change: c.1202A>G on transcript NM_001211.6 (MANE Select); coding-DNA position 1202, A replaced by G.
Protein change: p.Glu401Gly; replaces glutamic acid 401 with glycine.
Molecular consequence: missense variant.
Genome position (GRCh38, 1-based): chr15:40,196,688, A>G. VCF-style: chr15-40196688-A-G. GRCh37 (hg19) VCF-style: chr15-40488889-A-G.
Other names: short protein forms E401G.
Identifiers: ClinVar variation 1747805 (VCV001747805.2), dbSNP rs2542550574, ClinGen allele CA391687394.
Genomic context (GRCh38, chr15:40,196,688, plus strand): 5'-GGGTTCAGAGCCATCAGCAAGCGTCTGAGGAGAAGAAAGAGAAGATGATGTATTGTAAGG[A>G]GAAGATTTATGCAGGAGTAGGGGAATTCTCCTTTGAAGAAATTCGGGCTGAAGTTTTCCG-3'
Protein context (NP_001202.5, residues 391-411): EKKEKMMYCK[Glu401Gly]KIYAGVGEFS